The following is an entry in ClinVar:

ClinVar aggregate classification (germline): Pathogenic (1 of 4 stars; one submission).

Conditions:
Diamond-Blackfan anemia. Also called: Blackfan Diamond syndrome; Aregenerative anemia chronic congenital; Red cell aplasia, pure hereditary; Congenital hypoplastic anemia; Aase syndrome. Identifiers: Orphanet 124, MedGen C1260899, MeSH D029503, MONDO:0015253, HP:0004810.

Submission:

Labcorp Genetics (formerly Invitae), Labcorp
Classification: Pathogenic for Diamond-Blackfan anemia. Last evaluated: 2017-04-20. Review status: criteria provided, single submitter. Criteria: Invitae Variant Classification Sherloc (09022015). Collection method: clinical testing. Allele origin: germline.
Comment: For these reasons, this variant has been classified as Pathogenic. While this particular variant has not been reported in the literature, loss-of-function variants in RPS19 are known to be pathogenic (PMID: 20960466). This sequence change inserts 2 nucleotides in exon 4 of the RPS19 mRNA (c.296_297dupTG), causing a frameshift at codon 100. This creates a premature translational stop signal (p.Ala100Trpfs*12) and is expected to result in an absent or disrupted protein product.

Literature cited by the submitters: PubMed 20960466.

NM_001022.4(RPS19):c.296_297dup (p.Ala100fs)

Genes: RPS19 (ribosomal protein S19; plus strand), RPS19-CD79A (RPS19-CD79A readthrough; plus strand). Cytogenetic location: 19q13.2.
Variant type: Microsatellite.
Coding change: c.296_297dup on transcript NM_001022.4 (MANE Select); coding-DNA positions 296 to 297, 2 bases duplicated (TG; older notation c.296_297dupTG).
Protein change: p.Ala100fs; shifts the reading frame from alanine 100.
Molecular consequence: frameshift variant.
Genome position (GRCh38, 1-based): chr19:41,869,154-41,869,155, TG duplicated; duplicating any 2 consecutive bases within chr19:41,869,151-41,869,155 gives the same sequence; the c. name uses the placement nearest the transcript's 3' end. VCF-style (leftmost placement, unchanged base first): chr19-41869150-A-AGT. GRCh37 (hg19) VCF-style: chr19-42373220-A-AGT.
Other names: c.296_297dup, p.Ala100fs (NM_001321483.2, NM_001321484.2); c.309_310dup, p.Gly104fs (NM_001321485.2); short protein forms A100fs, G104fs.
Identifiers: ClinVar variation 463373 (VCV000463373.7), dbSNP rs1555841356, ClinGen allele CA658656788.